The following is an entry in ClinVar:

NM_000195.5(HPS1):c.1155+1del

Gene: HPS1 (HPS1 biogenesis of lysosomal organelles complex 3 subunit 1; minus strand). Cytogenetic location: 10q24.2.
Variant type: Deletion.
Coding change: c.1155+1del on transcript NM_000195.5 (MANE Select); the canonical splice donor site of the intron after coding-DNA position 1155, one base deleted (G; older notation c.1155+1delG).
Molecular consequence: splice donor variant.
Genome position (GRCh38, 1-based): chr10:98,425,817, C deleted on the plus strand (G on the coding strand, the reverse complement: HPS1 is on the minus strand); the first of 3 consecutive C bases (chr10:98,425,817-98,425,819); deleting any one gives the same sequence. VCF-style (leftmost placement, unchanged base first): chr10-98425816-AC-A. GRCh37 (hg19) VCF-style: chr10-100185573-AC-A.
Other names: c.786+1del (NM_001322483.2, NM_001322484.2); c.894+1del (NM_001322480.2, NM_001322481.2); c.1056+1del (NM_001322478.2, NM_001322479.2); c.1155+1del (NM_001322476.2, NM_001322477.2); c.687+1del (NM_001322485.2); c.795+1del (NM_001322482.2); c.183+1del (NM_001322489.2, NM_001311345.2, NM_001322487.2).
Identifiers: ClinVar variation 2794490 (VCV002794490.3), dbSNP rs2538837254, ClinGen allele CA2739271014.

ClinVar aggregate classification (germline): Pathogenic (1 of 4 stars; one submission).

Submission:

Labcorp Genetics (formerly Invitae), Labcorp
Classification: Pathogenic. Last evaluated: 2022-12-08. Review status: criteria provided, single submitter. Criteria: Invitae Variant Classification Sherloc (09022015). Collection method: clinical testing. Allele origin: germline.
Comment: For these reasons, this variant has been classified as Pathogenic. Algorithms developed to predict the effect of sequence changes on RNA splicing suggest that this variant may disrupt the consensus splice site. This variant is also known as c.1155+1del (Splice site). This variant has not been reported in the literature in individuals affected with HPS1-related conditions. This variant is not present in population databases (gnomAD no frequency). This sequence change creates a premature translational stop signal (p.Ser386Alafs*13) in the HPS1 gene. It is expected to result in an absent or disrupted protein product. Loss-of-function variants in HPS1 are known to be pathogenic (PMID: 12442288, 16185271).

Literature cited by the submitters: PubMed 12442288; PubMed 16185271.